The following is an entry in ClinVar:

NM_000152.5(GAA):c.1461C>A (p.Phe487Leu)

Gene: GAA (alpha glucosidase; plus strand). Cytogenetic location: 17q25.3.
Variant type: single nucleotide variant.
Coding change: c.1461C>A on transcript NM_000152.5 (MANE Select); coding-DNA position 1461, C replaced by A.
Protein change: p.Phe487Leu; replaces phenylalanine 487 with leucine.
Molecular consequence: missense variant.
Genome position (GRCh38, 1-based): chr17:80,110,750, C>A. VCF-style: chr17-80110750-C-A. GRCh37 (hg19) VCF-style: chr17-78084549-C-A.
Other names: c.1461C>A, p.Phe487Leu (NM_001079803.3, NM_001079804.3, NM_001406741.1 and 1 more transcripts); short protein forms F487L.
Identifiers: ClinVar variation 4876495 (VCV004876495.1).

ClinVar aggregate classification (germline): Uncertain significance (1 of 4 stars; one submission).

Conditions:
Glycogen storage disease, type II (IOPD). Also called: Pompe Disease; CARDIOMEGALIA GLYCOGENICA DIFFUSA; GLYCOGENOSIS, GENERALIZED, CARDIAC FORM; GSD II; POMPE DISEASE, INFANTILE-ONSET; GLYCOGEN STORAGE DISEASE II, INFANTILE-ONSET. Identifiers: Orphanet 365, MedGen C0017921, MONDO:0009290, OMIM 232300.

Submission:

Genomenon, Inc
Classification: Uncertain significance for Glycogen storage disease, type II. Last evaluated: 2026-07-01. Review status: criteria provided, single submitter. Criteria: Genomenon Sequence Variant Interpretation Standards - Updated. Collection method: curation. Allele origin: germline. Affected: yes.
Comment: GAA p.Phe487Leu (c.1461C>A) is a missense variant that changes the amino acid at codon 487 from Phenylalanine to Leucine. This variant has been observed in at least one proband with a GAA-related disorder in the compound heterozygous and/or homozygous state (PMID:34864681). It is absent or not present at a significant frequency in gnomAD. In silico models predict that this variant is possibly or probably damaging. In conclusion, we classify GAA p.Phe487Leu (c.1461C>A) as a variant of uncertain significance.

Literature cited by the submitters: PubMed 34864681.